The following is an entry in ClinVar:

ClinVar aggregate classification (germline): Uncertain significance (1 of 4 stars; one submission).

Allele frequency attached by ClinVar (database versions not stated): gnomAD 0.00001; ExAC 0.00002; TOPMed 0.00002.

Submission:

Labcorp Genetics (formerly Invitae), Labcorp
Classification: Uncertain significance. Last evaluated: 2023-08-10. Review status: criteria provided, single submitter. Criteria: Invitae Variant Classification Sherloc (09022015). Collection method: clinical testing. Allele origin: germline.
Comment: In summary, the available evidence is currently insufficient to determine the role of this variant in disease. Therefore, it has been classified as a Variant of Uncertain Significance. Variants that disrupt the consensus splice site are a relatively common cause of aberrant splicing (PMID: 17576681, 9536098). Algorithms developed to predict the effect of sequence changes on RNA splicing suggest that this variant is not likely to affect RNA splicing. This variant has not been reported in the literature in individuals affected with CACNA1G-related conditions. This variant is present in population databases (rs766897926, gnomAD 0.004%). This sequence change falls in intron 12 of the CACNA1G gene. It does not directly change the encoded amino acid sequence of the CACNA1G protein. It affects a nucleotide within the consensus splice site.

Literature cited by the submitters: PubMed 17576681; PubMed 9536098.

NM_018896.5(CACNA1G):c.2754+5G>A

Gene: CACNA1G (calcium voltage-gated channel subunit alpha1 G; plus strand). Cytogenetic location: 17q21.33.
Variant type: single nucleotide variant.
Coding change: c.2754+5G>A on transcript NM_018896.5 (MANE Select); 5 bases into the intron after coding-DNA position 2754, G replaced by A.
Molecular consequence: intron variant.
Genome position (GRCh38, 1-based): chr17:50,591,858, G>A. VCF-style: chr17-50591858-G-A. GRCh37 (hg19) VCF-style: chr17-48669219-G-A.
Other names: c.2754+5G>A (NM_001256325.2, NM_198377.3, NM_198380.3 and 24 more transcripts).
Identifiers: ClinVar variation 3016740 (VCV003016740.3), dbSNP rs766897926, ClinGen allele CA8652507.